The following is an entry in ClinVar:

ClinVar aggregate classification (germline): Likely pathogenic (1 of 4 stars; one submission).

Submission:

Labcorp Genetics (formerly Invitae), Labcorp
Classification: Likely pathogenic. Last evaluated: 2025-12-06. Review status: criteria provided, single submitter. Criteria: Invitae Variant Classification Sherloc (09022015). Collection method: clinical testing. Allele origin: germline.
Comment: This sequence change affects a donor splice site in intron 18 of the CCDC88C gene. It is expected to disrupt RNA splicing. Variants that disrupt the donor or acceptor splice site typically lead to a loss of protein function (PMID: 16199547), and loss-of-function variants in CCDC88C are known to be pathogenic (PMID: 23042809, 29225145). This variant is not present in population databases (gnomAD no frequency). This variant has not been reported in the literature in individuals affected with CCDC88C-related conditions. Algorithms developed to predict the effect of sequence changes on RNA splicing suggest that this variant may disrupt the consensus splice site. In summary, the currently available evidence indicates that the variant is pathogenic, but additional data are needed to prove that conclusively. Therefore, this variant has been classified as Likely Pathogenic.

Literature cited by the submitters: PubMed 16199547; PubMed 23042809; PubMed 29225145.

NM_001080414.4(CCDC88C):c.3195+1G>A

Gene: CCDC88C (coiled-coil and HOOK domain protein 88C; minus strand). Cytogenetic location: 14q32.11.
Variant type: single nucleotide variant.
Coding change: c.3195+1G>A on transcript NM_001080414.4 (MANE Select); the canonical splice donor site of the intron after coding-DNA position 3195, G replaced by A.
Molecular consequence: splice donor variant.
Genome position (GRCh38, 1-based): chr14:91,307,037, C>T on the plus strand (G>A on the coding strand, the complement: CCDC88C is on the minus strand). VCF-style: chr14-91307037-C-T. GRCh37 (hg19) VCF-style: chr14-91773381-C-T.
Identifiers: ClinVar variation 4732623 (VCV004732623.1).